The following is an entry in ClinVar:

NM_001903.5(CTNNA1):c.2249C>T (p.Ala750Val)

Gene: CTNNA1 (catenin alpha 1; plus strand). Cytogenetic location: 5q31.2.
Variant type: single nucleotide variant.
Coding change: c.2249C>T on transcript NM_001903.5 (MANE Select); coding-DNA position 2249, C replaced by T.
Protein change: p.Ala750Val; replaces alanine 750 with valine.
Molecular consequence: missense variant.
Genome position (GRCh38, 1-based): chr5:138,930,886, C>T. VCF-style: chr5-138930886-C-T. GRCh37 (hg19) VCF-style: chr5-138266575-C-T.
Other names: c.2249C>T, p.Ala750Val (NM_001290307.3, NM_001323982.2, NM_001323983.1 and 2 more transcripts); c.1940C>T, p.Ala647Val (NM_001290309.3); c.1880C>T, p.Ala627Val (NM_001290310.3); c.1139C>T, p.Ala380Val (NM_001290312.1, NM_001323987.1, NM_001323988.1 and 17 more transcripts); c.2156C>T, p.Ala719Val (NM_001323986.2); c.800C>T, p.Ala267Val (NM_001324006.1, NM_001324007.1, NM_001324008.1 and 2 more transcripts); c.1046C>T, p.Ala349Val (NM_001324011.1); c.896C>T, p.Ala299Val (NM_001324012.1, NM_001324013.1); short protein forms A267V, A380V, A750V, A349V, A719V, A299V, A647V, A627V.
Identifiers: ClinVar variation 2855406 (VCV002855406.3), dbSNP rs2150337328, ClinGen allele CA361133871.

ClinVar aggregate classification (germline): Uncertain significance (1 of 4 stars; one submission).

Submission:

Labcorp Genetics (formerly Invitae), Labcorp
Classification: Uncertain significance. Last evaluated: 2023-04-12. Review status: criteria provided, single submitter. Criteria: Invitae Variant Classification Sherloc (09022015). Collection method: clinical testing. Allele origin: germline.
Comment: In summary, the available evidence is currently insufficient to determine the role of this variant in disease. Therefore, it has been classified as a Variant of Uncertain Significance. Advanced modeling of protein sequence and biophysical properties (such as structural, functional, and spatial information, amino acid conservation, physicochemical variation, residue mobility, and thermodynamic stability) performed at Invitae indicates that this missense variant is not expected to disrupt CTNNA1 protein function. This variant has not been reported in the literature in individuals affected with CTNNA1-related conditions. This variant is not present in population databases (gnomAD no frequency). This sequence change replaces alanine, which is neutral and non-polar, with valine, which is neutral and non-polar, at codon 750 of the CTNNA1 protein (p.Ala750Val).